The following is an entry in ClinVar:

ClinVar aggregate classification (germline): Uncertain significance (1 of 4 stars; one submission).

Submission:

CeGaT Center for Human Genetics Tuebingen
Classification: Uncertain significance. Last evaluated: 2025-12-01. Review status: criteria provided, single submitter. Criteria: CeGaT Center For Human Genetics Tuebingen Variant Classification Criteria Version 2. Collection method: clinical testing. Allele origin: germline. Affected: yes. Observed: 1 variant allele.
Comment: BCORL1: PM2, BP4

NM_001379451.1(BCORL1):c.2687T>C (p.Val896Ala)

Gene: BCORL1 (BCL6 corepressor like 1; plus strand). Cytogenetic location: Xq26.1.
Variant type: single nucleotide variant.
Coding change: c.2687T>C on transcript NM_001379451.1 (MANE Select); coding-DNA position 2687, T replaced by C.
Protein change: p.Val896Ala; replaces valine 896 with alanine.
Molecular consequence: missense variant.
Genome position (GRCh38, 1-based): chrX:130,015,459, T>C. VCF-style: chrX-130015459-T-C. GRCh37 (hg19) VCF-style: chrX-129149435-T-C.
Other names: c.2687T>C, p.Val896Ala (NM_001441329.1, NM_001441330.1, NM_001441331.1 and 7 more transcripts); short protein forms V896A.
Identifiers: ClinVar variation 4682032 (VCV004682032.5).